The following is an entry in ClinVar:

ClinVar aggregate classification (germline): Pathogenic (1 of 4 stars; one submission).

Conditions:
Mucopolysaccharidosis, MPS-II (MPS2). Also called: Hunter Syndrome; IDURONATE 2-SULFATASE DEFICIENCY; Mucopolysaccharidosis Type II; Mucopolysaccharidosis type 2; Attenuated MPS (subtype; formerly known as mild MPS II); Severe MPS II. Identifiers: Orphanet 580, Orphanet 79388, MedGen C0026705, MONDO:0010674, OMIM 309900.

Submission:

Laboratory of Diagnosis and Therapy of Lysosomal Disorders, University of Padova
Classification: Pathogenic for Mucopolysaccharidosis, MPS-II. Last evaluated: 2024-06-07. Review status: criteria provided, single submitter. Criteria: ACMG Guidelines, 2015. Collection method: literature only. Allele origin: germline. Affected: yes. Observed: 1 variant allele.
Comment: Null variant (PVS1_VeryStrong), Absent from controls (or at low frequency) in gnomAD database (PM2_Moderate), Patient’s phenotype or family history highly specific for the disease (PP4_Strong)

Classification method: ACMG Guidelines [PMID:25741868] with modifications

Literature cited by the submitters: PubMed 36945845.

NM_000202.8(IDS):c.820dup (p.Glu274fs)

Genes: IDS (iduronate 2-sulfatase; minus strand), LOC106050102 (IDS recombination region; plus strand). Cytogenetic location: Xq28.
Variant type: Duplication.
Coding change: c.820dup on transcript NM_000202.8 (MANE Select); coding-DNA position 820, one base duplicated (G; older notation c.820dupG).
Protein change: p.Glu274fs; shifts the reading frame from glutamic acid 274.
Molecular consequence: frameshift variant. On other transcripts: non-coding transcript variant (1).
Genome position (GRCh38, 1-based): chrX:149,496,405, C duplicated on the plus strand (G on the coding strand, the reverse complement: IDS is on the minus strand); the first of 3 consecutive C bases (chrX:149,496,405-149,496,407); duplicating any one gives the same sequence. VCF-style (leftmost placement, unchanged base first): chrX-149496404-T-TC. GRCh37 (hg19) VCF-style: chrX-148577935-T-TC.
Other names: c.550dup, p.Glu184fs (NM_001166550.4); c.820dup, p.Glu274fs (NM_006123.5); short protein forms E184fs, E274fs.
Identifiers: ClinVar variation 3255856 (VCV003255856.2).
Genomic context (GRCh38, chrX:149,496,404, plus strand): 5'-ACCTGAAAGTCCACAGGAATTGGACCATACGGCACACTGATGTTTAAGGCTTGGACGTCT[T>TC]CCCGTTGCCTGATGTCCATCCAGGGGTTGTAGGCCACAGGGGGTAGGCCATCAGGGACCT-3'